The following is an entry in ClinVar:

NM_000180.4(GUCY2D):c.2224C>T (p.Arg742Cys)

Gene: GUCY2D (guanylate cyclase 2D, retinal; plus strand). Cytogenetic location: 17p13.1.
Variant type: single nucleotide variant.
Coding change: c.2224C>T on transcript NM_000180.4 (MANE Select); coding-DNA position 2224, C replaced by T.
Protein change: p.Arg742Cys; replaces arginine 742 with cysteine.
Molecular consequence: missense variant.
Genome position (GRCh38, 1-based): chr17:8,013,213, C>T. VCF-style: chr17-8013213-C-T. GRCh37 (hg19) VCF-style: chr17-7916531-C-T.
Other names: short protein forms R742C.
Identifiers: ClinVar variation 857814 (VCV000857814.11), dbSNP rs532577225, ClinGen allele CA8366045.

ClinVar aggregate classification (germline): Uncertain significance. Review status: criteria provided, multiple submitters, no conflicts (2 of 4 stars). 3 submissions from 3 submitters: Uncertain significance (3). Last evaluated 2025-04-21.

Conditions:
Inborn genetic diseases. Identifiers: MedGen C0950123, MeSH D030342.
Cone-rod dystrophy 6 (CORD6). Also called: RETINAL CONE DYSTROPHY 2; Cone dystrophy progressive. Identifiers: Orphanet 1872, MedGen C1866293, MONDO:0011143, OMIM 601777.
Leber congenital amaurosis 1 (LCA1). Also called: Congenital absence of the rods and cones; Leber's congenital tapetoretinal degeneration; Leber's congenital tapetoretinal dysplasia; RETINAL BLINDNESS, CONGENITAL; AMAUROSIS CONGENITA OF LEBER I. Identifiers: Orphanet 65, MedGen C2931258, MONDO:0008764, OMIM 204000.

Allele frequency attached by ClinVar (database versions not stated): gnomAD below 0.00001 and 0.00002; gnomAD exomes 0.00001 and 0.00002; TOPMed 0.00001; ExAC 0.00002; 1000 Genomes Project 30x 0.00016; 1000 Genomes Project 0.00020.

Submissions (3):

Ambry Genetics
Classification: Uncertain significance for Inborn genetic diseases. Last evaluated: 2025-04-21. Review status: criteria provided, single submitter. Criteria: Ambry Variant Classification Scheme 2023. Collection method: clinical testing. Allele origin: germline.

Blueprint Genetics
Classification: Uncertain significance. Last evaluated: 2024-08-23. Review status: criteria provided, single submitter. Criteria: ACMG Guidelines, 2015. Collection method: clinical testing. Allele origin: germline.

Labcorp Genetics (formerly Invitae), Labcorp
Classification: Uncertain significance for Leber congenital amaurosis 1; Cone-rod dystrophy 6. Last evaluated: 2024-02-19. Review status: criteria provided, single submitter. Criteria: Invitae Variant Classification Sherloc (09022015). Collection method: clinical testing. Allele origin: germline.
Comment: This sequence change replaces arginine, which is basic and polar, with cysteine, which is neutral and slightly polar, at codon 742 of the GUCY2D protein (p.Arg742Cys). This variant is present in population databases (rs532577225, gnomAD 0.01%). This variant has not been reported in the literature in individuals affected with GUCY2D-related conditions. ClinVar contains an entry for this variant (Variation ID: 857814). Advanced modeling of protein sequence and biophysical properties (such as structural, functional, and spatial information, amino acid conservation, physicochemical variation, residue mobility, and thermodynamic stability) performed at Invitae indicates that this missense variant is not expected to disrupt GUCY2D protein function with a negative predictive value of 80%. In summary, the available evidence is currently insufficient to determine the role of this variant in disease. Therefore, it has been classified as a Variant of Uncertain Significance.